The following is an entry in ClinVar:

NM_000321.3(RB1):c.1365A>G (p.Arg455=)

Gene: RB1 (RB transcriptional corepressor 1; plus strand). Cytogenetic location: 13q14.2.
Variant type: single nucleotide variant.
Coding change: c.1365A>G on transcript NM_000321.3 (MANE Select); coding-DNA position 1365, A replaced by G.
Protein change: p.Arg455=; no amino-acid change (arginine 455 retained).
Molecular consequence: synonymous variant.
Genome position (GRCh38, 1-based): chr13:48,379,626, A>G. VCF-style: chr13-48379626-A-G. GRCh37 (hg19) VCF-style: chr13-48953762-A-G.
Identifiers: ClinVar variation 458121 (VCV000458121.14), dbSNP rs1316896547, ClinGen allele CA483559226.
Genomic context (GRCh38, chr13:48,379,626, plus strand): 5'-TCTTATTTTTCTTTTTGTTTGTTTGTAGCGATACAAACTTGGAGTTCGCTTGTATTACCG[A>G]GTAATGGAATCCATGCTTAAATCAGTAAGTTAAAAACAATATAAAAAAATTTCAGCCGGG-3'
Protein context (NP_000312.2, residues 445-465): RYKLGVRLYY[Arg455=]VMESMLKSEE

ClinVar aggregate classification (germline): Benign/Likely benign. Review status: criteria provided, multiple submitters, no conflicts (2 of 4 stars). 4 submissions from 4 submitters: Benign (1); Likely benign (3). Last evaluated 2026-06-24.

Conditions:
Retinoblastoma (RB1). Also called: RETINOBLASTOMA, SOMATIC. Identifiers: Orphanet 790, MedGen C0035335, MeSH D012175, MONDO:0008380, OMIM 180200, HP:0009919. Disease mechanism: loss of function. Inheritance: Both sporadic and heritable forms are tested..
Hereditary cancer-predisposing syndrome. Also called: Hereditary neoplastic syndrome; Neoplastic Syndromes, Hereditary; Hereditary Cancer Syndrome; Tumor predisposition. Identifiers: Orphanet 140162, MedGen C0027672, MeSH D009386, MONDO:0015356.

Allele frequency attached by ClinVar (database versions not stated): TOPMed below 0.00001; gnomAD exomes below 0.00001.
gnomAD v4.1: 2 of 1,612,610 alleles (0.00012%); highest among the groups gnomAD compares: Non-Finnish European, 0.00017%; no homozygotes.

Submissions (4):

Myriad Genetics, Inc.
Classification: Benign for Retinoblastoma. Last evaluated: 2026-06-24. Review status: criteria provided, single submitter. Criteria: Myriad Autosomal Dominant, Autosomal Recessive and X-Linked Classification Criteria (2023). Collection method: clinical testing. Allele origin: unknown.
Comment: This variant is considered benign. This variant is a silent/synonymous amino acid change and it is not expected to impact splicing.

Labcorp Genetics (formerly Invitae), Labcorp
Classification: Likely benign for Retinoblastoma. Last evaluated: 2025-11-25. Review status: criteria provided, single submitter. Criteria: Invitae Variant Classification Sherloc (09022015). Collection method: clinical testing. Allele origin: germline.

Color Diagnostics, LLC DBA Color Health
Classification: Likely benign for Retinoblastoma. Last evaluated: 2024-07-16. Review status: criteria provided, single submitter. Criteria: ACMG Guidelines, 2015. Collection method: clinical testing. Allele origin: germline.

Ambry Genetics
Classification: Likely benign for Hereditary cancer-predisposing syndrome. Last evaluated: 2020-09-29. Review status: criteria provided, single submitter. Criteria: Ambry Variant Classification Scheme 2023. Collection method: clinical testing. Allele origin: germline.